The following is an entry in ClinVar:

ClinVar aggregate classification (germline): Pathogenic. Review status: criteria provided, multiple submitters, no conflicts (2 of 4 stars). 3 submissions from 3 submitters: Pathogenic (3). Last evaluated 2022-05-04.

Conditions:
Neurofibromatosis, type 1 (NF1). Also called: Peripheral type neurofibromatosis; Neurofibromatosis, type I; VON RECKLINGHAUSEN DISEASE; NEUROFIBROMATOSIS, TYPE I, SOMATIC. Identifiers: Orphanet 636, MedGen C0027831, MONDO:0018975, OMIM 162200. Disease mechanism: loss of function.

Submissions (3):

Mendelics
Classification: Pathogenic for Neurofibromatosis, type 1. Last evaluated: 2022-05-04. Review status: criteria provided, single submitter. Criteria: Mendelics Assertion Criteria 2019. Collection method: clinical testing. Allele origin: germline.

Genome-Nilou Lab
Classification: Pathogenic for Neurofibromatosis, type 1. Last evaluated: 2022-03-15. Review status: criteria provided, single submitter. Criteria: ACMG Guidelines, 2015. Collection method: clinical testing. Allele origin: germline. Affected: no.

Labcorp Genetics (formerly Invitae), Labcorp
Classification: Pathogenic for Neurofibromatosis, type 1. Last evaluated: 2021-05-17. Review status: criteria provided, single submitter. Criteria: Invitae Variant Classification Sherloc (09022015). Collection method: clinical testing. Allele origin: germline.
Comment: This sequence change creates a premature translational stop signal (p.Met817Asnfs*14) in the NF1 gene. It is expected to result in an absent or disrupted protein product. Loss-of-function variants in NF1 are known to be pathogenic (PMID: 10712197, 23913538). This variant is not present in population databases (ExAC no frequency). This variant has been reported in an individual affected with neurofibromatosis type I (PMID: 23913538). ClinVar contains an entry for this variant (Variation ID: 578345). For these reasons, this variant has been classified as Pathogenic.

Literature cited by the submitters: PubMed 10712197 (cited by Labcorp Genetics (formerly Invitae), Labcorp); PubMed 23913538 (cited by Labcorp Genetics (formerly Invitae), Labcorp).

NM_001042492.3(NF1):c.2449dup (p.Met817fs)

Gene: NF1 (neurofibromin 1; plus strand). Cytogenetic location: 17q11.2.
Variant type: Duplication.
Coding change: c.2449dup on transcript NM_001042492.3 (MANE Select); coding-DNA position 2449, one base duplicated (A; older notation c.2449dupA).
Protein change: p.Met817fs; shifts the reading frame from methionine 817.
Molecular consequence: frameshift variant.
Genome position (GRCh38, 1-based): chr17:31,229,064, A duplicated; the last of 2 consecutive A bases (chr17:31,229,063-31,229,064); duplicating either gives the same sequence. VCF-style (leftmost placement, unchanged base first): chr17-31229062-G-GA. GRCh37 (hg19) VCF-style: chr17-29556080-G-GA.
Other names: c.2449dupA (NM_000267.3); c.2449dup, p.Met817Asnfs (NM_000267.4); short protein forms M817fs.
Identifiers: ClinVar variation 578345 (VCV000578345.7), dbSNP rs1567848755, ClinGen allele CA658761080.